The following is an entry in ClinVar:

ClinVar aggregate classification (germline): Uncertain significance. Review status: criteria provided, single submitter (1 of 4 stars). 2 submissions from 2 submitters: Uncertain significance (1). 1 of the submissions does not count toward it. Last evaluated 2024-11-11.

Conditions:
SEMA3A-related disorder. Also called: SEMA3A-related condition.

Allele frequency attached by ClinVar (database versions not stated): gnomAD exomes 0.00002; ExAC 0.00012; 1000 Genomes Project 0.00020; 1000 Genomes Project 30x 0.00031; gnomAD 0.00037; TOPMed 0.00041; ESP Exome Variant Server 0.00062.
gnomAD v4.1: 86 of 1,612,140 alleles (0.0053%); highest among the groups gnomAD compares: African/African-American, 0.11%; no homozygotes.

Submissions (2):

Labcorp Genetics (formerly Invitae), Labcorp
Classification: Uncertain significance. Last evaluated: 2024-11-11. Review status: criteria provided, single submitter. Criteria: Invitae Variant Classification Sherloc (09022015). Collection method: clinical testing. Allele origin: germline.
Comment: This sequence change replaces aspartic acid, which is acidic and polar, with asparagine, which is neutral and polar, at codon 624 of the SEMA3A protein (p.Asp624Asn). This variant is present in population databases (rs150613141, gnomAD 0.1%). This variant has not been reported in the literature in individuals affected with SEMA3A-related conditions. ClinVar contains an entry for this variant (Variation ID: 3032949). Invitae Evidence Modeling of protein sequence and biophysical properties (such as structural, functional, and spatial information, amino acid conservation, physicochemical variation, residue mobility, and thermodynamic stability) indicates that this missense variant is not expected to disrupt SEMA3A protein function with a negative predictive value of 80%. In summary, the available evidence is currently insufficient to determine the role of this variant in disease. Therefore, it has been classified as a Variant of Uncertain Significance.

PreventionGenetics, part of Exact Sciences
Classification: Likely benign for SEMA3A-related condition. Last evaluated: 2022-05-04. Review status: no assertion criteria provided. Collection method: clinical testing. Allele origin: germline. Not counted in ClinVar's aggregate classification.
Comment: This variant is classified as likely benign based on ACMG/AMP sequence variant interpretation guidelines (Richards et al. 2015 PMID: 25741868, with internal and published modifications).

NM_006080.3(SEMA3A):c.1870G>A (p.Asp624Asn)

Gene: SEMA3A (semaphorin 3A; minus strand). Cytogenetic location: 7q21.11.
Variant type: single nucleotide variant.
Coding change: c.1870G>A on transcript NM_006080.3 (MANE Select); coding-DNA position 1870, G replaced by A.
Protein change: p.Asp624Asn; replaces aspartic acid 624 with asparagine.
Molecular consequence: missense variant.
Genome position (GRCh38, 1-based): chr7:83,961,817, C>T on the plus strand (G>A on the coding strand, the complement: SEMA3A is on the minus strand). VCF-style: chr7-83961817-C-T. GRCh37 (hg19) VCF-style: chr7-83591133-C-T.
Other names: short protein forms D624N.
Identifiers: ClinVar variation 3032949 (VCV003032949.4), dbSNP rs150613141, ClinGen allele CA4322581.